The following is an entry in ClinVar:

ClinVar aggregate classification (germline): Uncertain significance (1 of 4 stars; one submission).

Conditions:
Propionic acidemia (PROP). Also called: GLYCINEMIA, KETOTIC; HYPERGLYCINEMIA WITH KETOACIDOSIS AND LEUKOPENIA; KETOTIC HYPERGLYCINEMIA. Identifiers: Orphanet 35, MedGen C0268579, MONDO:0011628, OMIM 606054, HP:0003571.

Allele frequency attached by ClinVar (database versions not stated): gnomAD exomes below 0.00001 and 0.00001; TOPMed below 0.00001; ExAC 0.00001; gnomAD 0.00001.
gnomAD v4.1: 10 of 1,581,970 alleles (0.00063%); highest among the groups gnomAD compares: South Asian, 0.011%; no homozygotes.

Submission:

Labcorp Genetics (formerly Invitae), Labcorp
Classification: Uncertain significance for Propionic acidemia. Last evaluated: 2024-02-12. Review status: criteria provided, single submitter. Criteria: Invitae Variant Classification Sherloc (09022015). Collection method: clinical testing. Allele origin: germline.
Comment: This sequence change replaces proline, which is neutral and non-polar, with alanine, which is neutral and non-polar, at codon 405 of the PCCA protein (p.Pro405Ala). This variant is present in population databases (rs772750102, gnomAD 0.003%). This variant has not been reported in the literature in individuals affected with PCCA-related conditions. ClinVar contains an entry for this variant (Variation ID: 1444584). Advanced modeling of protein sequence and biophysical properties (such as structural, functional, and spatial information, amino acid conservation, physicochemical variation, residue mobility, and thermodynamic stability) performed at Invitae indicates that this missense variant is expected to disrupt PCCA protein function with a positive predictive value of 80%. In summary, the available evidence is currently insufficient to determine the role of this variant in disease. Therefore, it has been classified as a Variant of Uncertain Significance.

NM_000282.4(PCCA):c.1213C>G (p.Pro405Ala)

Gene: PCCA (propionyl-CoA carboxylase subunit alpha; plus strand). Cytogenetic location: 13q32.3.
Variant type: single nucleotide variant.
Coding change: c.1213C>G on transcript NM_000282.4 (MANE Select); coding-DNA position 1213, C replaced by G.
Protein change: p.Pro405Ala; replaces proline 405 with alanine.
Molecular consequence: missense variant. On other transcripts: non-coding transcript variant (5).
Genome position (GRCh38, 1-based): chr13:100,302,927, C>G. VCF-style: chr13-100302927-C-G. GRCh37 (hg19) VCF-style: chr13-100955181-C-G.
Other names: c.1135C>G, p.Pro379Ala (NM_001127692.3, NM_001352607.2); c.1213C>G, p.Pro405Ala (NM_001178004.2, NM_001352605.2, NM_001352609.2); c.1069C>G, p.Pro357Ala (NM_001352606.2); c.991C>G, p.Pro331Ala (NM_001352608.2); c.268C>G, p.Pro90Ala (NM_001352610.2, NM_001352611.2); c.124C>G, p.Pro42Ala (NM_001352612.2); short protein forms P379A, P405A, P331A, P90A, P357A, P42A.
Identifiers: ClinVar variation 1444584 (VCV001444584.6), dbSNP rs772750102, ClinGen allele CA7033546.